The following is an entry in ClinVar:

NM_021224.6(ZNF462):c.2339A>G (p.Asp780Gly)

Gene: ZNF462 (zinc finger protein 462; plus strand). Cytogenetic location: 9q31.2.
Variant type: single nucleotide variant.
Coding change: c.2339A>G on transcript NM_021224.6 (MANE Select); coding-DNA position 2339, A replaced by G.
Protein change: p.Asp780Gly; replaces aspartic acid 780 with glycine.
Molecular consequence: missense variant.
Genome position (GRCh38, 1-based): chr9:106,926,251, A>G. VCF-style: chr9-106926251-A-G. GRCh37 (hg19) VCF-style: chr9-109688532-A-G.
Other names: c.2339A>G, p.Asp780Gly (NM_001347997.2); short protein forms D780G.
Identifiers: ClinVar variation 1029814 (VCV001029814.1), dbSNP rs1830188459, ClinGen allele CA374389898.

ClinVar aggregate classification (germline): Uncertain significance (1 of 4 stars; one submission).

Conditions:
Weiss-Kruszka syndrome. Also called: Metopic ridging-ptosis-facial dysmorphism syndrome. Identifiers: Orphanet 502430, MedGen C5568107, MONDO:0032836, OMIM 618619.

Submission:

Baylor Genetics
Classification: Uncertain significance for Weiss-Kruszka syndrome. Last evaluated: 2020-07-08. Review status: criteria provided, single submitter. Criteria: ACMG Guidelines, 2015. Collection method: clinical testing. Allele origin: unknown. Affected: yes.
Comment: This variant was determined to be of uncertain significance according to ACMG Guidelines, 2015 [PMID:25741868].